The following is an entry in ClinVar:

ClinVar aggregate classification (germline): Pathogenic (1 of 4 stars; one submission).

Submission:

GeneDx
Classification: Pathogenic. Last evaluated: 2020-01-17. Review status: criteria provided, single submitter. Criteria: GeneDx Variant Classification Process June 2021. Collection method: clinical testing. Allele origin: germline. Affected: yes.
Comment: Canonical splice site variant in a gene for which loss-of-function is a known mechanism of disease; Not observed in large population cohorts (Lek et al., 2016)

NM_001844.5(COL2A1):c.85+1G>T

Gene: COL2A1 (collagen type II alpha 1 chain; minus strand). Cytogenetic location: 12q13.11.
Variant type: single nucleotide variant.
Coding change: c.85+1G>T on transcript NM_001844.5 (MANE Select); the canonical splice donor site of the intron after coding-DNA position 85, G replaced by T.
Molecular consequence: splice donor variant.
Genome position (GRCh38, 1-based): chr12:48,004,236, C>A on the plus strand (G>T on the coding strand, the complement: COL2A1 is on the minus strand). VCF-style: chr12-48004236-C-A. GRCh37 (hg19) VCF-style: chr12-48398019-C-A.
Other names: c.85+1G>T (NM_033150.3).
Identifiers: ClinVar variation 1189214 (VCV001189214.2), dbSNP rs727503882, ClinGen allele CA384528129.
Genomic context (GRCh38, chr12:48,004,236, plus strand): 5'-AGAAGGATGCTGAGGGACGCATGGAAAGCAGGCAGGCAGGCAGGGGCGGGGGAAGACTTA[C>A]GGACATCCTGGCCCTGACACCGAAGGACAGCGGCGACGAGCAGCGTCAGCAGCACCAGCG-3'